The following is an entry in ClinVar:

NM_000626.4(CD79B):c.245T>G (p.Met82Arg)

Genes: CD79B (CD79b molecule; minus strand), GH-LCR (growth hormone locus control region; plus strand). Cytogenetic location: 17q23.3.
Variant type: single nucleotide variant.
Coding change: c.245T>G on transcript NM_000626.4 (MANE Select); coding-DNA position 245, T replaced by G.
Protein change: p.Met82Arg; replaces methionine 82 with arginine.
Molecular consequence: missense variant. On other transcripts: intron variant (2).
Genome position (GRCh38, 1-based): chr17:63,930,259, A>C on the plus strand (T>G on the coding strand, the complement: CD79B is on the minus strand). VCF-style: chr17-63930259-A-C. GRCh37 (hg19) VCF-style: chr17-62007619-A-C.
Other names: c.248T>G, p.Met83Arg (NM_001039933.3); c.119-371T>G (NM_021602.4); c.122-371T>G (NM_001329050.2); short protein forms M82R, M83R.
Identifiers: ClinVar variation 2830717 (VCV002830717.3), dbSNP rs2509269003, ClinGen allele CA400604846.

ClinVar aggregate classification (germline): Uncertain significance (1 of 4 stars; one submission).

Conditions:
Agammaglobulinemia 6, autosomal recessive (AGM6). Also called: AGAMMAGLOBULINEMIA 6; AGAMMAGLOBULINEMIA, AUTOSOMAL RECESSIVE, DUE TO CD79B DEFECT. Identifiers: MedGen C3150207, MONDO:0012987, OMIM 612692.

Submission:

Labcorp Genetics (formerly Invitae), Labcorp
Classification: Uncertain significance for Agammaglobulinemia 6, autosomal recessive. Last evaluated: 2023-01-31. Review status: criteria provided, single submitter. Criteria: Invitae Variant Classification Sherloc (09022015). Collection method: clinical testing. Allele origin: germline.
Comment: This sequence change replaces methionine, which is neutral and non-polar, with arginine, which is basic and polar, at codon 82 of the CD79B protein (p.Met82Arg). This variant is not present in population databases (gnomAD no frequency). This variant has not been reported in the literature in individuals affected with CD79B-related conditions. Algorithms developed to predict the effect of missense changes on protein structure and function output the following: SIFT: "Not Available"; PolyPhen-2: "Benign"; Align-GVGD: "Not Available". The arginine amino acid residue is found in multiple mammalian species, which suggests that this missense change does not adversely affect protein function. In summary, the available evidence is currently insufficient to determine the role of this variant in disease. Therefore, it has been classified as a Variant of Uncertain Significance.